The following is an entry in ClinVar:

NM_000063.6(C2):c.1716G>C (p.Lys572Asn)

Gene: C2 (complement C2; plus strand). Cytogenetic location: 6p21.33.
Variant type: single nucleotide variant.
Coding change: c.1716G>C on transcript NM_000063.6 (MANE Select); coding-DNA position 1716, G replaced by C.
Protein change: p.Lys572Asn; replaces lysine 572 with asparagine.
Molecular consequence: missense variant.
Genome position (GRCh38, 1-based): chr6:31,943,792, G>C. VCF-style: chr6-31943792-G-C. GRCh37 (hg19) VCF-style: chr6-31911569-G-C.
Other names: c.1320G>C, p.Lys440Asn (NM_001145903.3); c.1074G>C, p.Lys358Asn (NM_001178063.3); c.978G>C, p.Lys326Asn (NM_001282457.2); c.1629G>C, p.Lys543Asn (NM_001282458.2); short protein forms K572N, K543N, K326N, K358N, K440N.
Identifiers: ClinVar variation 356253 (VCV000356253.10), dbSNP rs376278843, ClinGen allele CA3727768.
Genomic context (GRCh38, chr6:31,943,792, plus strand): 5'-GGGAATCCTGGAGTTCTATGGTGATGACATAGCTCTGCTGAAGCTGGCCCAGAAAGTAAA[G>C]ATGTCCACCCATGCCAGGTGCCTGGAGTCTGGGATGGGAGGGTGCCCTGCAGGGAAGAGT-3'
Protein context (NP_000054.2, residues 562-582): IALLKLAQKV[Lys572Asn]MSTHARPICL

ClinVar aggregate classification (germline): Uncertain significance. Review status: criteria provided, multiple submitters, no conflicts (2 of 4 stars). 3 submissions from 2 submitters: Uncertain significance (3). Last evaluated 2025-01-27.

Conditions:
Complement component 2 deficiency (C2D). Also called: C2 deficiency. Identifiers: MedGen C0398756, MONDO:0009006, OMIM 217000.
Age related macular degeneration 14. Also called: MACULAR DEGENERATION, AGE-RELATED, 14, REDUCED RISK OF. Identifiers: MedGen C3809653, MONDO:0014207, OMIM 615489.

Allele frequency attached by ClinVar (database versions not stated): ExAC 0.00012; gnomAD exomes 0.00013; gnomAD 0.00015 and 0.00016; TOPMed 0.00015; ESP Exome Variant Server 0.00024.
gnomAD v4.1: 405 of 1,612,994 alleles (0.025%); highest among the groups gnomAD compares: Non-Finnish European, 0.033%; no homozygotes.

Submissions (3):

Labcorp Genetics (formerly Invitae), Labcorp
Classification: Uncertain significance. Last evaluated: 2025-01-27. Review status: criteria provided, single submitter. Criteria: Invitae Variant Classification Sherloc (09022015). Collection method: clinical testing. Allele origin: germline.
Comment: This sequence change replaces lysine, which is basic and polar, with asparagine, which is neutral and polar, at codon 572 of the C2 protein (p.Lys572Asn). This variant is present in population databases (rs376278843, gnomAD 0.03%). This variant has not been reported in the literature in individuals affected with C2-related conditions. ClinVar contains an entry for this variant (Variation ID: 356253). Invitae Evidence Modeling of protein sequence and biophysical properties (such as structural, functional, and spatial information, amino acid conservation, physicochemical variation, residue mobility, and thermodynamic stability) indicates that this missense variant is not expected to disrupt C2 protein function with a negative predictive value of 80%. In summary, the available evidence is currently insufficient to determine the role of this variant in disease. Therefore, it has been classified as a Variant of Uncertain Significance.

Illumina Laboratory Services, Illumina
Classification: Uncertain significance for Complement component 2 deficiency. Last evaluated: 2018-01-12. Review status: criteria provided, single submitter. Criteria: ICSL Variant Classification Criteria 13 December 2019. Collection method: clinical testing. Allele origin: germline.

Illumina Laboratory Services, Illumina
Classification: Uncertain significance for Age related macular degeneration 14. Last evaluated: 2018-01-12. Review status: criteria provided, single submitter. Criteria: ICSL Variant Classification Criteria 13 December 2019. Collection method: clinical testing. Allele origin: germline.